The following is an entry in ClinVar:

ClinVar aggregate classification (germline): Likely benign (1 of 4 stars; one submission).

Conditions:
Purine-nucleoside phosphorylase deficiency. Also called: Immunodeficiency due to purine nucleoside phosphorylase deficiency; NUCLEOSIDE PHOSPHORYLASE DEFICIENCY. Identifiers: Orphanet 760, MedGen C0268125, MONDO:0013171, OMIM 613179.

Allele frequency attached by ClinVar (database versions not stated): TOPMed 0.00043; 1000 Genomes Project 0.00160; gnomAD 0.00022 and 0.00030; 1000 Genomes Project 30x 0.00109.

Submission:

Illumina Laboratory Services, Illumina
Classification: Likely benign for Purine-nucleoside phosphorylase deficiency. Last evaluated: 2018-01-12. Review status: criteria provided, single submitter. Criteria: ICSL Variant Classification Criteria 13 December 2019. Collection method: clinical testing. Allele origin: germline.
Comment: This variant was observed in the ICSL laboratory as part of a predisposition screen in an ostensibly healthy population. It had not been previously curated by ICSL or reported in the Human Gene Mutation Database (HGMD: prior to June 1st, 2018), and was therefore a candidate for classification through an automated scoring system. Utilizing variant allele frequency, disease prevalence and penetrance estimates, and inheritance mode, an automated score was calculated to assess if this variant is too frequent to cause the disease. Based on the score and internal cut-off values, a variant classified as likely benign is not then subjected to further curation. The score for this variant resulted in a classification of likely benign for this disease.

NM_000270.3(PNP):c.*799A>G

Gene: PNP (purine nucleoside phosphorylase; plus strand). Cytogenetic location: 14q11.2.
Variant type: single nucleotide variant.
Coding change: c.*799A>G on transcript NM_000270.3; 799 bases downstream of the stop codon, A replaced by G.
Genome position (GRCh38, 1-based): chr14:20,477,400, A>G. VCF-style: chr14-20477400-A-G. GRCh37 (hg19) VCF-style: chr14-20945559-A-G.
Identifiers: ClinVar variation 312746 (VCV000312746.7), dbSNP rs61013934, ClinGen allele CA10634681.